The following is an entry in ClinVar:

NM_003482.4(KMT2D):c.8993A>T (p.Asp2998Val)

Gene: KMT2D (lysine methyltransferase 2D; minus strand). Cytogenetic location: 12q13.12.
Variant type: single nucleotide variant.
Coding change: c.8993A>T on transcript NM_003482.4 (MANE Select); coding-DNA position 8993, A replaced by T.
Protein change: p.Asp2998Val; replaces aspartic acid 2998 with valine.
Molecular consequence: missense variant.
Genome position (GRCh38, 1-based): chr12:49,038,363, T>A on the plus strand (A>T on the coding strand, the complement: KMT2D is on the minus strand). VCF-style: chr12-49038363-T-A. GRCh37 (hg19) VCF-style: chr12-49432146-T-A.
Other names: short protein forms D2998V.
Identifiers: ClinVar variation 2901832 (VCV002901832.4), dbSNP rs1432465908, ClinGen allele CA384740046.

ClinVar aggregate classification (germline): Conflicting classifications of pathogenicity. Review status: criteria provided, conflicting classifications (1 of 4 stars). 2 submissions from 2 submitters: Uncertain significance (1); Likely benign (1). Last evaluated 2024-03-27.

Conditions:
Kabuki syndrome. Also called: NIIKAWA-KUROKI SYNDROME; Kabuki make-up syndrome. Identifiers: Orphanet 2322, MedGen C0796004, MONDO:0016512.

Allele frequency attached by ClinVar (database versions not stated): TOPMed below 0.00001; gnomAD 0.00001; gnomAD exomes 0.00001.
gnomAD v4.1: 13 of 1,613,724 alleles (0.00081%); highest among the groups gnomAD compares: African/African-American, 0.0013%; no homozygotes.

Submissions (2):

GeneDx
Classification: Uncertain significance. Last evaluated: 2024-03-27. Review status: criteria provided, single submitter. Criteria: GeneDx Variant Classification Process June 2021. Collection method: clinical testing. Allele origin: germline. Affected: yes.
Comment: In silico analysis supports that this missense variant has a deleterious effect on protein structure/function; Has not been previously published as pathogenic or benign to our knowledge

Labcorp Genetics (formerly Invitae), Labcorp
Classification: Likely benign for Kabuki syndrome. Last evaluated: 2023-05-29. Review status: criteria provided, single submitter. Criteria: Invitae Variant Classification Sherloc (09022015). Collection method: clinical testing. Allele origin: germline.